The following is an entry in ClinVar:

ClinVar aggregate classification (germline): Likely benign. Review status: criteria provided, single submitter (1 of 4 stars). 2 submissions from 2 submitters: Likely benign (1). 1 of the submissions does not count toward it. Last evaluated 2024-11-13.

Conditions:
FSIP2-related disorder. Also called: FSIP2-related condition.

Allele frequency attached by ClinVar (database versions not stated): gnomAD exomes 0.00044; ExAC 0.00082; 1000 Genomes Project 0.00359; 1000 Genomes Project 30x 0.00359; gnomAD 0.00476; TOPMed 0.00549.
gnomAD v4.1: 1,349 of 1,527,348 alleles (0.088%); highest among the groups gnomAD compares: African/African-American, 1.7%; 10 homozygotes.

Submissions (3):

Blueprint Genetics
Classification: Likely benign. Last evaluated: 2024-11-13. Review status: criteria provided, single submitter. Criteria: ACMG Guidelines, 2015. Collection method: clinical testing. Allele origin: germline.

PreventionGenetics, part of Exact Sciences
Classification: Benign for FSIP2-related condition. Last evaluated: 2024-05-16. Review status: no assertion criteria provided. Collection method: clinical testing. Allele origin: germline. Not counted in ClinVar's aggregate classification.
Comment: This variant is classified as benign based on ACMG/AMP sequence variant interpretation guidelines (Richards et al. 2015 PMID: 25741868, with internal and published modifications).

Dr. Peter K. Rogan Lab, Western University
No classification provided (evidence only). Condition: Sarcoma. Review status: no classification provided. Collection method: in vitro. Allele origin: not applicable. Functional consequence: retained intron. Not counted in ClinVar's aggregate classification.

NM_173651.4(FSIP2):c.12381A>C (p.Leu4127=)

Gene: FSIP2 (fibrous sheath interacting protein 2; plus strand). Cytogenetic location: 2q32.1.
Variant type: single nucleotide variant.
Coding change: c.12381A>C on transcript NM_173651.4 (MANE Select); coding-DNA position 12381, A replaced by C.
Protein change: p.Leu4127=; no amino-acid change (leucine 4127 retained).
Molecular consequence: synonymous variant.
Genome position (GRCh38, 1-based): chr2:185,801,687, A>C. VCF-style: chr2-185801687-A-C. GRCh37 (hg19) VCF-style: chr2-186666414-A-C.
Other names: NC_000002.11:g.186666414A>C.
Identifiers: ClinVar variation 3055857 (VCV003055857.4), dbSNP rs192275221, ClinGen allele CA2017004.